The following is an entry in ClinVar:

ClinVar aggregate classification (germline): Uncertain significance (1 of 4 stars; one submission).

Submission:

Labcorp Genetics (formerly Invitae), Labcorp
Classification: Uncertain significance. Last evaluated: 2022-07-30. Review status: criteria provided, single submitter. Criteria: Invitae Variant Classification Sherloc (09022015). Collection method: clinical testing. Allele origin: germline.
Comment: This sequence change replaces phenylalanine, which is neutral and non-polar, with leucine, which is neutral and non-polar, at codon 414 of the PDE6C protein (p.Phe414Leu). This variant is not present in population databases (gnomAD no frequency). This variant has not been reported in the literature in individuals affected with PDE6C-related conditions. Algorithms developed to predict the effect of missense changes on protein structure and function are either unavailable or do not agree on the potential impact of this missense change (SIFT: "Deleterious"; PolyPhen-2: "Probably Damaging"; Align-GVGD: "Class C0"). In summary, the available evidence is currently insufficient to determine the role of this variant in disease. Therefore, it has been classified as a Variant of Uncertain Significance.

NM_006204.4(PDE6C):c.1242C>G (p.Phe414Leu)

Gene: PDE6C (phosphodiesterase 6C; plus strand). Cytogenetic location: 10q23.33.
Variant type: single nucleotide variant.
Coding change: c.1242C>G on transcript NM_006204.4 (MANE Select); coding-DNA position 1242, C replaced by G.
Protein change: p.Phe414Leu; replaces phenylalanine 414 with leucine.
Molecular consequence: missense variant.
Genome position (GRCh38, 1-based): chr10:93,634,880, C>G. VCF-style: chr10-93634880-C-G. GRCh37 (hg19) VCF-style: chr10-95394637-C-G.
Other names: short protein forms F414L.
Identifiers: ClinVar variation 2005262 (VCV002005262.4), dbSNP rs758720479, ClinGen allele CA377614469.